The following is an entry in ClinVar:

ClinVar aggregate classification (germline): Uncertain significance (1 of 4 stars; one submission).

Allele frequency attached by ClinVar (database versions not stated): gnomAD exomes below 0.00001.
gnomAD v4.1: 1 of 1,614,110 alleles (0.000062%); highest among the groups gnomAD compares: Non-Finnish European, 0.000085%; no homozygotes.

Submission:

Ambry Genetics
Classification: Uncertain significance. Last evaluated: 2024-02-22. Review status: criteria provided, single submitter. Criteria: Ambry Variant Classification Scheme 2023. Collection method: clinical testing. Allele origin: germline.
Comment: The p.T286I variant (also known as c.857C>T), located in coding exon 3 of the TERF2IP gene, results from a C to T substitution at nucleotide position 857. The threonine at codon 286 is replaced by isoleucine, an amino acid with similar properties. This amino acid position is conserved. In addition, this alteration is predicted to be tolerated by in silico analysis. Based on the available evidence, the clinical significance of this alteration remains unclear.

NM_018975.4(TERF2IP):c.857C>T (p.Thr286Ile)

Gene: TERF2IP (TERF2 interacting protein; plus strand). Cytogenetic location: 16q23.1.
Variant type: single nucleotide variant.
Coding change: c.857C>T on transcript NM_018975.4 (MANE Select); coding-DNA position 857, C replaced by T.
Protein change: p.Thr286Ile; replaces threonine 286 with isoleucine.
Molecular consequence: missense variant. On other transcripts: non-coding transcript variant (1).
Genome position (GRCh38, 1-based): chr16:75,656,268, C>T. VCF-style: chr16-75656268-C-T. GRCh37 (hg19) VCF-style: chr16-75690166-C-T.
Other names: short protein forms T286I.
Identifiers: ClinVar variation 3227207 (VCV003227207.1), dbSNP rs2507089256, ClinGen allele CA396819734.
Genomic context (GRCh38, chr16:75,656,268, plus strand): 5'-TGGATGAGAGCCCTCCTGATTTTGAAATACATATAACTATGTGTGATGATGATCCACCCA[C>T]ACCTGAGGAAGACTCAGAAACACAGCCTGATGAGGAGGAAGAAGAAGAAGAAGAAAAAGT-3'
Protein context (NP_061848.2, residues 276-296): HITMCDDDPP[Thr286Ile]PEEDSETQPD